The following is an entry in ClinVar:

NM_021072.4(HCN1):c.233C>G (p.Ala78Gly)

Gene: HCN1 (hyperpolarization activated cyclic nucleotide gated potassium channel 1; minus strand). Cytogenetic location: 5p12.
Variant type: single nucleotide variant.
Coding change: c.233C>G on transcript NM_021072.4 (MANE Select); coding-DNA position 233, C replaced by G.
Protein change: p.Ala78Gly; replaces alanine 78 with glycine.
Molecular consequence: missense variant.
Genome position (GRCh38, 1-based): chr5:45,695,861, G>C on the plus strand (C>G on the coding strand, the complement: HCN1 is on the minus strand). VCF-style: chr5-45695861-G-C. GRCh37 (hg19) VCF-style: chr5-45695963-G-C.
Other names: short protein forms A78G.
Identifiers: ClinVar variation 4975624 (VCV004975624.1).

ClinVar aggregate classification (germline): Uncertain significance (1 of 4 stars; one submission).

Submission:

GeneDx
Classification: Uncertain significance. Last evaluated: 2026-01-30. Review status: criteria provided, single submitter. Criteria: GeneDx Variant Classification Process June 2021. Collection method: clinical testing. Allele origin: germline.
Comment: Not observed at significant frequency in large population cohorts (gnomAD); In silico analysis suggests that this missense variant does not alter protein structure/function; Has not been previously published as pathogenic or benign to our knowledge